The following is an entry in ClinVar:

ClinVar aggregate classification (germline): Likely pathogenic. Review status: reviewed by expert panel (3 of 4 stars). 2 submissions from 2 submitters: Likely pathogenic (1). 1 of the submissions does not count toward it. Last evaluated 2022-12-09.

Conditions:
Phenylketonuria (PKU). Also called: Phenylketonuria (PKU); FOLLING DISEASE; OLIGOPHRENIA PHENYLPYRUVICA; Phenylketonurias. Identifiers: Orphanet 716, MedGen C0031485, MONDO:0009861, OMIM 261600. Disease mechanism: loss of function.

Submissions (2):

ClinGen PAH Variant Curation Expert Panel
Classification: Likely pathogenic for Phenylketonuria. Last evaluated: 2022-12-09. Review status: reviewed by expert panel. Criteria: ClinGen PAH ACMG Specifications v1. Collection method: curation. Allele origin: germline. Inheritance: Autosomal recessive inheritance.
Comment: The NM_000277.3(PAH):c.1232C>A (p.Ser411Ter) variant in exon 12 of PAH is a nonsense variant predicted to cause a premature stop codon in biologically-relevant-exon 12/13 and is predicted to lead to nonsense mediated decay (PVS1). This variant is absent from gnomAD v2.1.1 (PM2). The variant has been reported in one patient in PMID: 17935162 however additional phenotype and genotype information was not specified. In summary, this variant meets the criteria to be classified as likely pathogenic for autosomal recessive phenylketonuria based on the ACMG/AMP criteria applied, as specified by the ClinGen PAH VCEP: PVS1, PM2. (PAH VCEP specifications version 1)

DeBelle Laboratory for Biochemical Genetics, MUHC/MCH RESEARCH INSTITUTE
No classification provided. Review status: no classification provided. Collection method: not provided. Allele origin: not provided. Not counted in ClinVar's aggregate classification.

NM_000277.3(PAH):c.1232C>A (p.Ser411Ter)

Gene: PAH (phenylalanine hydroxylase; minus strand). Cytogenetic location: 12q23.2.
Variant type: single nucleotide variant.
Coding change: c.1232C>A on transcript NM_000277.3 (MANE Select); coding-DNA position 1232, C replaced by A.
Protein change: p.Ser411Ter; replaces serine 411 with a stop codon.
Molecular consequence: nonsense.
Genome position (GRCh38, 1-based): chr12:102,840,483, G>T on the plus strand (C>A on the coding strand, the complement: PAH is on the minus strand). VCF-style: chr12-102840483-G-T. GRCh37 (hg19) VCF-style: chr12-103234261-G-T.
Other names: NM_000277.3(PAH):c.1232C>A; p.Ser411Ter; c.1232C>A, p.Ser411Ter (NM_001354304.2); short protein forms S411*.
Identifiers: ClinVar variation 102574 (VCV000102574.2), dbSNP rs62644477, ClinGen allele CA229409.